The following is an entry in ClinVar:

ClinVar aggregate classification (germline): Uncertain significance. Review status: reviewed by expert panel (3 of 4 stars). 3 submissions from 3 submitters: Uncertain significance (1). 2 of the submissions do not count toward it. Last evaluated 2024-10-08.

Conditions:
Deficiency of guanidinoacetate methyltransferase (CCDS2). Also called: GAMT DEFICIENCY; Guanidinoacetate Methyltransferase (GAMT) Deficiency; CEREBRAL CREATINE DEFICIENCY SYNDROME 2. Identifiers: Orphanet 382, MedGen C0574080, MONDO:0012999, OMIM 612736.
Cerebral creatine deficiency syndrome. Also called: Creatine deficiency syndromes. Identifiers: Orphanet 79172, MedGen C5244016, MONDO:0000456.
Inborn genetic diseases. Identifiers: MedGen C0950123, MeSH D030342.

Allele frequency attached by ClinVar (database versions not stated): gnomAD exomes 0.00001; gnomAD 0.00002.
gnomAD v4.1: 18 of 1,578,998 alleles (0.0011%); highest among the groups gnomAD compares: Admixed American, 0.0036%; no homozygotes.

Submissions (3):

ClinGen Cerebral Creatine Deficiency Syndromes Variant Curation Expert Panel, ClinGen
Classification: Uncertain significance for Deficiency of guanidinoacetate methyltransferase. Last evaluated: 2024-10-08. Review status: reviewed by expert panel. Criteria: ClinGen CCDS ACMG Specifications GAMT V2.0.0. Collection method: curation. Allele origin: germline. Inheritance: Autosomal recessive inheritance.
Comment: The NM_000156.6:c.299G>A variant in GAMT is a missense variant that is predicted to cause the substitution of an arginine by a glutamine at amino acid position 100 (p.Arg100Gln). To our knowledge, this variant has not been reported among individuals with GAMT deficiency and results of functional studies are unavailable. The highest population minor allele frequency in gnomAD v4.1.0. is 0.00003629 (2/55112 alleles) in the Admixed American population, which is lower than the ClinGen CCDS VCEP’s threshold for PM2_Supporting (<0.0004), meeting this criterion (PM2_Supporting). The computational predictor REVEL gives a score of 0.203 which is below the threshold of 0.29, evidence that does not predict a damaging effect on GAMT function. SpliceAI predicts no impact on splicing (BP4). There is a ClinVar entry for this variant (Variation ID: 2145645). In summary, this variant meets the criteria to be classified as a variant of uncertain significance for GAMT deficiency based on the ACMG/AMP criteria applied, as specified by the ClinGen Cerebral Creatine Deficiency Syndromes Variant Curation Expert Panel (Specifications Version 2.0.0): PM2_Supporting, BP4. (Classification approved by the ClinGen Cerebral Creatine Deficiency Syndromes Variant Curation Expert Panel on October 8th, 2024).

Ambry Genetics
Classification: Likely benign for Inborn genetic diseases. Last evaluated: 2023-05-09. Review status: criteria provided, single submitter. Criteria: Ambry Variant Classification Scheme 2023. Collection method: clinical testing. Allele origin: germline. Not counted in ClinVar's aggregate classification.

Labcorp Genetics (formerly Invitae), Labcorp
Classification: Uncertain significance for Cerebral creatine deficiency syndrome. Last evaluated: 2022-03-27. Review status: criteria provided, single submitter. Criteria: Invitae Variant Classification Sherloc (09022015). Collection method: clinical testing. Allele origin: germline. Not counted in ClinVar's aggregate classification.
Comment: This sequence change replaces arginine, which is basic and polar, with glutamine, which is neutral and polar, at codon 100 of the GAMT protein (p.Arg100Gln). The frequency data for this variant in the population databases is considered unreliable, as metrics indicate poor data quality at this position in the gnomAD database. This variant has not been reported in the literature in individuals affected with GAMT-related conditions. Algorithms developed to predict the effect of missense changes on protein structure and function output the following: SIFT: "Tolerated"; PolyPhen-2: "Benign"; Align-GVGD: "Class C0". The glutamine amino acid residue is found in multiple mammalian species, which suggests that this missense change does not adversely affect protein function. Algorithms developed to predict the effect of sequence changes on RNA splicing suggest that this variant may create or strengthen a splice site. In summary, the available evidence is currently insufficient to determine the role of this variant in disease. Therefore, it has been classified as a Variant of Uncertain Significance.

NM_000156.6(GAMT):c.299G>A (p.Arg100Gln)

Gene: GAMT (guanidinoacetate N-methyltransferase; minus strand). Cytogenetic location: 19p13.3.
Variant type: single nucleotide variant.
Coding change: c.299G>A on transcript NM_000156.6 (MANE Select); coding-DNA position 299, G replaced by A.
Protein change: p.Arg100Gln; replaces arginine 100 with glutamine.
Molecular consequence: missense variant.
Genome position (GRCh38, 1-based): chr19:1,399,821, C>T on the plus strand (G>A on the coding strand, the complement: GAMT is on the minus strand). VCF-style: chr19-1399821-C-T. GRCh37 (hg19) VCF-style: chr19-1399820-C-T.
Other names: NM_000156.6(GAMT):c.299G>A; p.Arg100Gln; c.299G>A (NM_000156.5); c.299G>A, p.Arg100Gln (NM_138924.3); short protein forms R100Q.
Identifiers: ClinVar variation 2145645 (VCV002145645.4), dbSNP rs754770522, ClinGen allele CA9043745.
Genomic context (GRCh38, chr19:1,399,821, plus strand): 5'-GGGTCCTGGAGGGCCTGCGGGCAGAGGGGCACCTTGTGTGTCTGCCGTGGGGCCCAGTCC[C>T]GGAGCCGCTGGAAGACGCCGTCATTGCACTCGATGATCCAATGCTCATCAATGGGCGCCT-3'
Protein context (NP_000147.1, residues 90-110): ECNDGVFQRL[Arg100Gln]DWAPRQTHKV